The following is an entry in ClinVar:

NM_006060.6(IKZF1):c.161-8401C>T

Gene: IKZF1 (IKAROS family zinc finger 1; plus strand). Cytogenetic location: 7p12.2.
Variant type: single nucleotide variant.
Coding change: c.161-8401C>T on transcript NM_006060.6 (MANE Select); 8401 bases into the intron before coding-DNA position 161, C replaced by T.
Molecular consequence: intron variant. On other transcripts: missense variant (1).
Genome position (GRCh38, 1-based): chr7:50,368,132, C>T. VCF-style: chr7-50368132-C-T. GRCh37 (hg19) VCF-style: chr7-50435830-C-T.
Other names: c.287C>T, p.Thr96Met (NM_001291845.2); c.220+67C>T (NM_001410879.1, NM_001291846.2, NM_001291847.2); c.161-14408C>T (NM_001291839.2, NM_001291838.2, NM_001220767.2 and 1 more transcripts); c.161-8401C>T (NM_001220765.3, NM_001291837.2, NM_001220768.2 and 1 more transcripts); c.161-19213C>T (NM_001291841.1, NM_001291842.1); c.161-23597C>T (NM_001291843.1, NM_001291844.1); c.161-31786C>T (NM_001291840.1); short protein forms T96M.
Identifiers: ClinVar variation 2503513 (VCV002503513.1), dbSNP rs749089586, ClinGen allele CA158208051.

ClinVar aggregate classification (germline): Uncertain significance (1 of 4 stars; one submission).

Conditions:
Acute lymphoid leukemia (ALL). Also called: Acute lymphoblastic leukemia; Acute lymphocytic leukemia; Leukemia, acute lymphoblastic, somatic; Lymphoblastic leukemia. Identifiers: Orphanet 513, MedGen C0023449, MONDO:0004967, OMIM 613065, HP:0006721.

Allele frequency attached by ClinVar (database versions not stated): gnomAD 0.00001; TOPMed 0.00002.
gnomAD v4.1: 8 of 703,300 alleles (0.0011%); highest among the groups gnomAD compares: African/African-American, 0.0017%; no homozygotes.

Submission:

St. Jude Molecular Pathology, St. Jude Children's Research Hospital
Classification: Uncertain significance for Acute lymphoid leukemia. Last evaluated: 2023-03-30. Review status: criteria provided, single submitter. Criteria: St. Jude Assertion Criteria 2020. Collection method: clinical testing. Allele origin: germline.
Comment: The IKZF1 c.287C>T (p.Thr96Met) missense change has a maximum subpopulation frequency of 0.0028% in gnomAD v2.1.1. The in silico tool REVEL predicts a benign effect on protein function, but to our knowledge this prediction has not been confirmed by functional studies. This variant occurs in a gene where missense variants are more likely to be damaging based on methods described by Lek et al. (PMID: 27535533). To our knowledge, this variant has not been reported in individuals with acute lymphoblastic leukemia or immunodeficiency. In summary, the evidence currently available is insufficient to determine the clinical significance of this variant. It has therefore been classified as of uncertain significance.